The following is an entry in ClinVar:

ClinVar aggregate classification (germline): Likely benign. Review status: criteria provided, multiple submitters, no conflicts (2 of 4 stars). 5 submissions from 5 submitters: Likely benign (4). 1 of the submissions does not count toward it. Last evaluated 2026-05-04.

Conditions:
GAN-related disorder. Also called: GAN-related condition.
Inborn genetic diseases. Identifiers: MedGen C0950123, MeSH D030342.
Giant axonal neuropathy 1 (GAN1). Also called: GAN-Related Neurodegeneration; GIANT AXONAL NEUROPATHY 1, AUTOSOMAL RECESSIVE. Identifiers: Orphanet 643, MedGen C1850386, MONDO:0009749, OMIM 256850.

Allele frequency attached by ClinVar (database versions not stated): gnomAD exomes 0.00010; ExAC 0.00014; 1000 Genomes Project 30x 0.00031; 1000 Genomes Project 0.00040; gnomAD 0.00041 and 0.00044; TOPMed 0.00047; ESP Exome Variant Server 0.00054.
gnomAD v4.1: 160 of 1,614,104 alleles (0.0099%); highest among the groups gnomAD compares: African/African-American, 0.17%; no homozygotes.

Submissions (5):

Women's Health and Genetics/Laboratory Corporation of America, LabCorp
Classification: Likely benign. Last evaluated: 2026-05-04. Review status: criteria provided, single submitter. Criteria: LabCorp Variant Classification Summary - May 2015. Collection method: clinical testing. Allele origin: germline.

Labcorp Genetics (formerly Invitae), Labcorp
Classification: Likely benign for Giant axonal neuropathy 1. Last evaluated: 2026-02-01. Review status: criteria provided, single submitter. Criteria: Invitae Variant Classification Sherloc (09022015). Collection method: clinical testing. Allele origin: germline.

GeneDx
Classification: Likely benign. Last evaluated: 2020-08-26. Review status: criteria provided, single submitter. Criteria: GeneDx Variant Classification Process June 2021. Collection method: clinical testing. Allele origin: germline. Affected: yes.

Ambry Genetics
Classification: Likely benign for Inborn genetic diseases. Last evaluated: 2019-07-11. Review status: criteria provided, single submitter. Criteria: Ambry Variant Classification Scheme 2023. Collection method: clinical testing. Allele origin: germline.

PreventionGenetics, part of Exact Sciences
Classification: Likely benign for GAN-related condition. Last evaluated: 2019-10-28. Review status: no assertion criteria provided. Collection method: clinical testing. Allele origin: germline. Not counted in ClinVar's aggregate classification.
Comment: This variant is classified as likely benign based on ACMG/AMP sequence variant interpretation guidelines (Richards et al. 2015 PMID: 25741868, with internal and published modifications).

NM_022041.4(GAN):c.358C>T (p.Leu120=)

Gene: GAN (gigaxonin; plus strand). Cytogenetic location: 16q23.2.
Variant type: single nucleotide variant.
Coding change: c.358C>T on transcript NM_022041.4 (MANE Select); coding-DNA position 358, C replaced by T.
Protein change: p.Leu120=; no amino-acid change (leucine 120 retained).
Molecular consequence: synonymous variant. On other transcripts: 5 prime UTR variant (1).
Genome position (GRCh38, 1-based): chr16:81,354,480, C>T. VCF-style: chr16-81354480-C-T. GRCh37 (hg19) VCF-style: chr16-81388085-C-T.
Other names: c.-282C>T (NM_001377486.1).
Identifiers: ClinVar variation 392588 (VCV000392588.19), dbSNP rs113655220, ClinGen allele CA8191358.